The following is an entry in ClinVar:

NM_005475.3(SH2B3):c.733-11753TCT[2]

Genes: SH2B3 (SH2B adaptor protein 3; plus strand), LOC130008783 (ATAC-STARR-seq lymphoblastoid active region 7033; plus strand). Cytogenetic location: 12q24.12.
Variant type: Microsatellite.
Coding change: c.733-11753TCT[2] on transcript NM_005475.3 (MANE Select); two copies in a row of the 3-base unit TCT starting at c.733-11753; the reference has three copies in a row; one copy, 3 bases deleted.
Molecular consequence: intron variant. On other transcripts: inframe deletion (2).
Genome position (GRCh38, 1-based): chr12:111,435,006-111,435,008, TCT deleted; deleting any 3 consecutive bases within chr12:111,435,000-111,435,008 gives the same sequence; the position shown is the placement nearest the transcript's 3' end. VCF-style (leftmost placement, unchanged base first): chr12-111434999-CTCT-C. GRCh37 (hg19) VCF-style: chr12-111872803-CTCT-C.
Other names: c.105_107delTCT (NM_001291424.1); c.99TCT[2], p.Leu36del (NM_001291424.1); short protein forms L36del.
Identifiers: ClinVar variation 4979733 (VCV004979733.1).

ClinVar aggregate classification (germline): Uncertain significance (1 of 4 stars; one submission).

Conditions:
SH2B3-related disorder. Also called: SH2B3-related condition.

Submission:

PreventionGenetics, part of Exact Sciences
Classification: Uncertain significance for SH2B3-related condition. Last evaluated: 2025-08-01. Review status: criteria provided, single submitter. Criteria: ACMG Guidelines, 2015. Collection method: clinical testing. Allele origin: germline.
Comment: The SH2B3 c.105_107delTCT variant is predicted to result in an in-frame deletion (p.Leu36del). To our knowledge, this variant has not been reported in the literature. This variant is reported in 0.089% of alleles in individuals of European (Non-Finnish) descent in gnomAD, which may be too common to be causative. Although we suspect that this variant may be benign, at this time, the clinical significance of this variant is uncertain due to the absence of conclusive functional and genetic evidence.